The following is an entry in ClinVar:

NM_001377.3(DYNC2H1):c.9472del (p.Glu3159fs)

Gene: DYNC2H1 (dynein cytoplasmic 2 heavy chain 1; plus strand). Cytogenetic location: 11q22.3.
Variant type: Deletion.
Coding change: c.9472del on transcript NM_001377.3 (MANE Select); coding-DNA position 9472, one base deleted (C; older notation c.9472delC).
Protein change: p.Glu3159fs; shifts the reading frame from glutamic acid 3159.
Molecular consequence: frameshift variant.
Genome position (GRCh38, 1-based): chr11:103,234,065, C deleted. VCF-style (leftmost placement, unchanged base first): chr11-103234064-AC-A. GRCh37 (hg19) VCF-style: chr11-103104793-AC-A.
Other names: c.9472del, p.Glu3159fs (NM_001080463.2); short protein forms E3159fs.
Identifiers: ClinVar variation 5014247 (VCV005014247.1).
Genomic context (GRCh38, chr11:103,234,064, plus strand): 5'-GCTTTTAATTAAATTTTAATGTTTACATAGATTTCAGAGCAGGACTTCAGAAGCTGCCAA[AC>A]TTGAGGCTGAAGTAAGCAAGGCACAAGAAACAATCAAAGCTGCAGAAGTCTTAATTAATC-3'

ClinVar aggregate classification (germline): Pathogenic (1 of 4 stars; one submission).

Conditions:
Asphyxiating thoracic dystrophy 3. Also called: Saldino-Noonan Syndrome; SHORT-RIB THORACIC DYSPLASIA 3 WITH OR WITHOUT POLYDACTYLY; POLYDACTYLY WITH NEONATAL CHONDRODYSTROPHY, TYPE I; SHORT-RIB THORACIC DYSPLASIA 3/6 WITH POLYDACTYLY, DIGENIC; Short rib polydactyly syndrome 2B. Identifiers: Orphanet 474, Orphanet 93269, Orphanet 93270, Orphanet 93271, MedGen C0036069, MONDO:0013127, OMIM 613091.

Submission:

Myriad Genetics, Inc.
Classification: Pathogenic for Asphyxiating thoracic dystrophy 3. Last evaluated: 2025-03-22. Review status: criteria provided, single submitter. Criteria: Myriad Autosomal Dominant, Autosomal Recessive and X-Linked Classification Criteria (2023). Collection method: clinical testing. Allele origin: unknown.
Comment: NM_001377.2(DYNC2H1):c.9472delC(E3159Rfs*4) is expected to be pathogenic in the context of DYNC2H1-related disorders. This variant is predicted to lead to an abnormal or absent protein product due to the creation of a premature termination codon in DYNC2H1, a gene where loss-of-function variants are known to be pathogenic. Please note: this variant was assessed in the context of healthy population screening.